The following is an entry in ClinVar:

NM_004608.4(TBX6):c.33G>A (p.Leu11=)

Gene: TBX6 (T-box transcription factor 6; minus strand). Cytogenetic location: 16p11.2.
Variant type: single nucleotide variant.
Coding change: c.33G>A on transcript NM_004608.4 (MANE Select); coding-DNA position 33, G replaced by A.
Protein change: p.Leu11=; no amino-acid change (leucine 11 retained).
Molecular consequence: synonymous variant.
Genome position (GRCh38, 1-based): chr16:30,091,161, C>T on the plus strand (G>A on the coding strand, the complement: TBX6 is on the minus strand). VCF-style: chr16-30091161-C-T. GRCh37 (hg19) VCF-style: chr16-30102482-C-T.
Identifiers: ClinVar variation 3654526 (VCV003654526.2).

ClinVar aggregate classification (germline): Uncertain significance (1 of 4 stars; one submission).

Submission:

Labcorp Genetics (formerly Invitae), Labcorp
Classification: Uncertain significance. Last evaluated: 2024-05-24. Review status: criteria provided, single submitter. Criteria: Invitae Variant Classification Sherloc (09022015). Collection method: clinical testing. Allele origin: germline.
Comment: This sequence change affects codon 11 of the TBX6 mRNA. It is a 'silent' change, meaning that it does not change the encoded amino acid sequence of the TBX6 protein. This variant is not present in population databases (gnomAD no frequency). This variant has not been reported in the literature in individuals affected with TBX6-related conditions. Algorithms developed to predict the effect of sequence changes on RNA splicing suggest that this variant may create or strengthen a splice site. In summary, the available evidence is currently insufficient to determine the role of this variant in disease. Therefore, it has been classified as a Variant of Uncertain Significance.